The following is an entry in ClinVar:

NM_005219.5(DIAPH1):c.1407T>C (p.Ile469=)

Gene: DIAPH1 (diaphanous related formin 1; minus strand). Cytogenetic location: 5q31.3.
Variant type: single nucleotide variant.
Coding change: c.1407T>C on transcript NM_005219.5 (MANE Select); coding-DNA position 1407, T replaced by C.
Protein change: p.Ile469=; no amino-acid change (isoleucine 469 retained).
Molecular consequence: synonymous variant.
Genome position (GRCh38, 1-based): chr5:141,576,284, A>G on the plus strand (T>C on the coding strand, the complement: DIAPH1 is on the minus strand). VCF-style: chr5-141576284-A-G. GRCh37 (hg19) VCF-style: chr5-140955851-A-G.
Other names: c.1380T>C, p.Ile460= (NM_001079812.3); c.1407T>C, p.Ile469= (NM_001314007.2).
Identifiers: ClinVar variation 286638 (VCV000286638.35), dbSNP rs75860159, ClinGen allele CA3479304.
Genomic context (GRCh38, chr5:141,576,284, plus strand): 5'-ATGCACCTTCTTTTCCAGCTCTGCAGCTTTGGCTTCAGATTTCTCCACCTTTGTCTTATC[A>G]ATCATTTGATCTGAAAAGAAGAAGAGTCAGTAAGTAAAGCTCCTAATTCTCTTGTTCTAT-3'
Protein context (NP_005210.3, residues 459-479): IEIEGLIDQM[Ile469=]DKTKVEKSEA

ClinVar aggregate classification (germline): Benign/Likely benign. Review status: criteria provided, multiple submitters, no conflicts (2 of 4 stars). 9 submissions from 9 submitters: Benign (5); Likely benign (4). Last evaluated 2026-01-19.

Conditions:
Autosomal dominant nonsyndromic hearing loss 1. Also called: DEAFNESS, AUTOSOMAL DOMINANT 1, WITH OR WITHOUT THROMBOCYTOPENIA; KONIGSMARK SYNDROME. Identifiers: Orphanet 90635, MedGen C1852282, MONDO:0007424, OMIM 124900.
Progressive microcephaly-seizures-cortical blindness-developmental delay syndrome. Also called: Seizures, cortical blindness, and microcephaly syndrome. Identifiers: Orphanet 477814, MedGen C5567650, MONDO:0014714, OMIM 616632.

Allele frequency attached by ClinVar (database versions not stated): gnomAD 0.00212 and 0.00222; ESP Exome Variant Server 0.00227; TOPMed 0.00245; 1000 Genomes Project 0.00339; 1000 Genomes Project 30x 0.00375.
gnomAD v4.1: 637 of 1,613,828 alleles (0.039%); highest among the groups gnomAD compares: African/African-American, 0.72%; 2 homozygotes.

Submissions (9):

Labcorp Genetics (formerly Invitae), Labcorp
Classification: Benign for Progressive microcephaly-seizures-cortical blindness-developmental delay syndrome; Autosomal dominant nonsyndromic hearing loss 1. Last evaluated: 2026-01-19. Review status: criteria provided, single submitter. Criteria: Invitae Variant Classification Sherloc (09022015). Collection method: clinical testing. Allele origin: germline.

CeGaT Center for Human Genetics Tuebingen
Classification: Likely benign. Last evaluated: 2026-01-01. Review status: criteria provided, single submitter. Criteria: CeGaT Center For Human Genetics Tuebingen Variant Classification Criteria Version 2. Collection method: clinical testing. Allele origin: germline. Affected: yes. Observed: 2 variant alleles.
Comment: DIAPH1: BP4, BS2

Blueprint Genetics
Classification: Likely benign. Last evaluated: 2024-11-25. Review status: criteria provided, single submitter. Criteria: ACMG Guidelines, 2015. Collection method: clinical testing. Allele origin: germline.

ARUP Laboratories, Molecular Genetics and Genomics, ARUP Laboratories
Classification: Benign. Last evaluated: 2024-09-17. Review status: criteria provided, single submitter. Criteria: ARUP Molecular Germline Variant Investigation Process 2024. Collection method: clinical testing. Allele origin: germline.

GeneDx
Classification: Benign. Last evaluated: 2019-02-15. Review status: criteria provided, single submitter. Criteria: GeneDx Variant Classification Process June 2021. Collection method: clinical testing. Allele origin: germline. Affected: yes.

Illumina Laboratory Services, Illumina
Classification: Benign for Autosomal dominant nonsyndromic hearing loss 1. Last evaluated: 2018-01-12. Review status: criteria provided, single submitter. Criteria: ICSL Variant Classification Criteria 13 December 2019. Collection method: clinical testing. Allele origin: germline.
Comment: This variant was observed in the ICSL laboratory as part of a predisposition screen in an ostensibly healthy population. It had not been previously curated by ICSL or reported in the Human Gene Mutation Database (HGMD: prior to June 1st, 2018), and was therefore a candidate for classification through an automated scoring system. Utilizing variant allele frequency, disease prevalence and penetrance estimates, and inheritance mode, an automated score was calculated to assess if this variant is too frequent to cause the disease. Based on the score and internal cut-off values, a variant classified as benign is not then subjected to further curation. The score for this variant resulted in a classification of benign for this disease.

Eurofins Ntd Llc (ga)
Classification: Likely benign. Last evaluated: 2016-03-28. Review status: criteria provided, single submitter. Criteria: EGL Classification Definitions 2015. Collection method: clinical testing. Allele origin: germline. Observed: 1 variant allele, 1 heterozygote.

Laboratory for Molecular Medicine, Mass General Brigham Personalized Medicine
Classification: Benign. Last evaluated: 2012-04-30. Review status: criteria provided, single submitter. Criteria: LMM Criteria. Collection method: clinical testing. Allele origin: germline. Observed: 3 variant alleles.
Comment: Ile469Ile in Exon 14 of DIAPH1: This variant is not expected to have clinical si gnificance because it does not alter an amino acid residue, is not located withi n the splice consensus sequence, and has been identified in 0.8% (24/2986) of Af rican American chromosomes from a broad population by the NHLBI Exome Sequencing Project (dbSNP rs75860159).

Breakthrough Genomics
Classification: Likely benign. Review status: criteria provided, single submitter. Criteria: ACMG Guidelines, 2015. Collection method: not provided. Allele origin: germline. Inheritance: Autosomal recessive inheritance. Affected: yes.